The following is an entry in ClinVar:

ClinVar aggregate classification (germline): Likely pathogenic (1 of 4 stars; one submission).

Conditions:
Neutrophil immunodeficiency syndrome. Also called: Immunodeficiency 73A with defective neutrophil chemotaxis and leukocytosis. Identifiers: Orphanet 183707, MedGen C1842398, MONDO:0011988, OMIM 608203.

Submission:

Labcorp Genetics (formerly Invitae), Labcorp
Classification: Likely pathogenic for Neutrophil immunodeficiency syndrome. Last evaluated: 2021-12-22. Review status: criteria provided, single submitter. Criteria: Invitae Variant Classification Sherloc (09022015). Collection method: clinical testing. Allele origin: germline.
Comment: Advanced modeling of protein sequence and biophysical properties (such as structural, functional, and spatial information, amino acid conservation, physicochemical variation, residue mobility, and thermodynamic stability) performed at Invitae indicates that this missense variant is expected to disrupt RAC2 protein function. This sequence change replaces glutamine, which is neutral and polar, with lysine, which is basic and polar, at codon 61 of the RAC2 protein (p.Gln61Lys). This variant is not present in population databases (gnomAD no frequency). This variant has not been reported in the literature in individuals affected with RAC2-related conditions. This variant disrupts the p.Gln61 amino acid residue in RAC2. Other variant(s) that disrupt this residue have been determined to be pathogenic (PMID: 33188496). This suggests that this residue is clinically significant, and that variants that disrupt this residue are likely to be disease-causing. In summary, the currently available evidence indicates that the variant is pathogenic, but additional data are needed to prove that conclusively. Therefore, this variant has been classified as Likely Pathogenic.

Literature cited by the submitters: PubMed 33188496.

NM_002872.5(RAC2):c.181C>A (p.Gln61Lys)

Gene: RAC2 (Rac family small GTPase 2; minus strand). Cytogenetic location: 22q13.1.
Variant type: single nucleotide variant.
Coding change: c.181C>A on transcript NM_002872.5 (MANE Select); coding-DNA position 181, C replaced by A.
Protein change: p.Gln61Lys; replaces glutamine 61 with lysine.
Molecular consequence: missense variant.
Genome position (GRCh38, 1-based): chr22:37,232,845, G>T on the plus strand (C>A on the coding strand, the complement: RAC2 is on the minus strand). VCF-style: chr22-37232845-G-T. GRCh37 (hg19) VCF-style: chr22-37628885-G-T.
Other names: short protein forms Q61K.
Identifiers: ClinVar variation 2052978 (VCV002052978.4), dbSNP rs1927110683, ClinGen allele CA411443406.